The following is an entry in ClinVar:

ClinVar aggregate classification (germline): Uncertain significance. Review status: criteria provided, multiple submitters, no conflicts (2 of 4 stars). 7 submissions from 7 submitters: Uncertain significance (7). Last evaluated 2025-04-17.

Conditions:
Isolated focal cortical dysplasia type II (FCORD2). Also called: CORTICAL DYSPLASIA OF TAYLOR; Focal cortical dysplasia type II. Identifiers: Orphanet 268994, MedGen C1846385, MONDO:0011818, OMIM 607341, HP:0032051.
Tuberous sclerosis 2 (TSC2). Identifiers: Orphanet 805, MedGen C1860707, MONDO:0013199, OMIM 613254.
Hereditary cancer-predisposing syndrome. Also called: Hereditary neoplastic syndrome; Neoplastic Syndromes, Hereditary; Tumor predisposition; Hereditary Cancer Syndrome. Identifiers: Orphanet 140162, MedGen C0027672, MeSH D009386, MONDO:0015356.
Tuberous sclerosis syndrome (TSC). Also called: Tuberous Sclerosis Complex; Tuberous sclerosis. Identifiers: Orphanet 805, MedGen C0041341, MONDO:0001734.

Submissions (7):

Quest Diagnostics Nichols Institute San Juan Capistrano
Classification: Uncertain significance. Last evaluated: 2025-04-17. Review status: criteria provided, single submitter. Criteria: Quest Diagnostics criteria. Collection method: clinical testing. Allele origin: unknown.

Labcorp Genetics (formerly Invitae), Labcorp
Classification: Uncertain significance for Tuberous sclerosis 2. Last evaluated: 2025-01-02. Review status: criteria provided, single submitter. Criteria: Invitae Variant Classification Sherloc (09022015). Collection method: clinical testing. Allele origin: germline.
Comment: This sequence change replaces arginine, which is basic and polar, with glycine, which is neutral and non-polar, at codon 691 of the TSC2 protein (p.Arg691Gly). This variant is not present in population databases (gnomAD no frequency). This variant has not been reported in the literature in individuals affected with TSC2-related conditions. ClinVar contains an entry for this variant (Variation ID: 467920). Invitae Evidence Modeling of protein sequence and biophysical properties (such as structural, functional, and spatial information, amino acid conservation, physicochemical variation, residue mobility, and thermodynamic stability) indicates that this missense variant is not expected to disrupt TSC2 protein function with a negative predictive value of 95%. In summary, the available evidence is currently insufficient to determine the role of this variant in disease. Therefore, it has been classified as a Variant of Uncertain Significance.

Ambry Genetics
Classification: Uncertain significance for Hereditary cancer-predisposing syndrome. Last evaluated: 2024-02-23. Review status: criteria provided, single submitter. Criteria: Ambry Variant Classification Scheme 2023. Collection method: clinical testing. Allele origin: germline.
Comment: The p.R691G variant (also known as c.2071C>G), located in coding exon 18 of the TSC2 gene, results from a C to G substitution at nucleotide position 2071. The arginine at codon 691 is replaced by glycine, an amino acid with dissimilar properties. This amino acid position is conserved. In addition, this alteration is predicted to be tolerated by in silico analysis. Based on the available evidence, the clinical significance of this alteration remains unclear.

Baylor Genetics
Classification: Uncertain significance for Isolated focal cortical dysplasia type II. Last evaluated: 2024-01-09. Review status: criteria provided, single submitter. Criteria: ACMG Guidelines, 2015. Collection method: clinical testing. Allele origin: unknown.

All of Us Research Program, National Institutes of Health
Classification: Uncertain significance for Tuberous sclerosis syndrome. Last evaluated: 2023-08-15. Review status: criteria provided, single submitter. Criteria: ACMG Guidelines, 2015. Collection method: clinical testing. Allele origin: germline. Inheritance: Autosomal dominant inheritance. Observed: 3 variant alleles, 3 heterozygotes.
Comment: This missense variant replaces arginine with glycine at codon 691 of the TSC2 protein. Computational prediction suggests that this variant may not impact protein structure and function (internally defined REVEL score threshold <= 0.5, PMID: 27666373). To our knowledge, functional studies have not been reported for this variant. This variant has not been reported in individuals affected with tuberous sclerosis complex in the literature. This variant has not been identified in the general population by the Genome Aggregation Database (gnomAD). The available evidence is insufficient to determine the role of this variant in disease conclusively. Therefore, this variant is classified as a Variant of Uncertain Significance.

This study involves interpretation of variants in research participants for the purpose of population health screening. Participant phenotype was not available at the time of variant classification. Additional details can be found in publication PMID: 35346344, PMCID: PMC8962531

Genome-Nilou Lab
Classification: Uncertain significance for Tuberous sclerosis 2. Last evaluated: 2021-11-07. Review status: criteria provided, single submitter. Criteria: ACMG Guidelines, 2015. Collection method: clinical testing. Allele origin: germline. Affected: no.

GeneDx
Classification: Uncertain significance. Last evaluated: 2019-07-01. Review status: criteria provided, single submitter. Criteria: GeneDx Variant Classification Process June 2021. Collection method: clinical testing. Allele origin: germline. Affected: yes.
Comment: Not observed in large population cohorts (Lek et al., 2016); In silico analysis, which includes protein predictors and evolutionary conservation, supports that this variant does not alter protein structure/function; Has not been previously published as pathogenic or benign to our knowledge

NM_000548.5(TSC2):c.2071C>G (p.Arg691Gly)

Gene: TSC2 (TSC complex subunit 2; plus strand). Cytogenetic location: 16p13.3.
Variant type: single nucleotide variant.
Coding change: c.2071C>G on transcript NM_000548.5 (MANE Select); coding-DNA position 2071, C replaced by G.
Protein change: p.Arg691Gly; replaces arginine 691 with glycine.
Molecular consequence: missense variant.
Genome position (GRCh38, 1-based): chr16:2,071,908, C>G. VCF-style: chr16-2071908-C-G. GRCh37 (hg19) VCF-style: chr16-2121909-C-G.
Other names: c.2071C>G, p.Arg691Gly (NM_001077183.3, NM_001114382.3, NM_001363528.2 and 3 more transcripts); c.1960C>G, p.Arg654Gly (NM_001318827.2); c.1924C>G, p.Arg642Gly (NM_001318829.2); c.1471C>G, p.Arg491Gly (NM_001318831.2); c.2104C>G, p.Arg702Gly (NM_001318832.2); short protein forms R691G, R642G, R491G, R702G, R654G.
Identifiers: ClinVar variation 467920 (VCV000467920.15), dbSNP rs760489473, ClinGen allele CA394274678.